The following is an entry in ClinVar:

ClinVar aggregate classification (germline): Pathogenic. Review status: criteria provided, multiple submitters, no conflicts (2 of 4 stars). 2 submissions from 2 submitters: Pathogenic (2). Last evaluated 2025-02-28.

Conditions:
Cone-rod dystrophy and hearing loss 2 (CRDHL2). Identifiers: MedGen C5193051, MONDO:0020780, OMIM 618358.

Submissions (2):

Laboratorio de Genetica e Diagnostico Molecular, Hospital Israelita Albert Einstein
Classification: Pathogenic for Cone-rod dystrophy and hearing loss 2. Last evaluated: 2025-02-28. Review status: criteria provided, single submitter. Criteria: ACMG Guidelines, 2015. Collection method: clinical testing. Allele origin: germline. Affected: yes.
Comment: ACMG classification criteria: PVS1 very strong, PM2 supporting, PM3 moderate

Labcorp Genetics (formerly Invitae), Labcorp
Classification: Pathogenic. Last evaluated: 2024-05-31. Review status: criteria provided, single submitter. Criteria: Invitae Variant Classification Sherloc (09022015). Collection method: clinical testing. Allele origin: germline.
Comment: This sequence change creates a premature translational stop signal (p.Glu1795Glyfs*13) in the CEP250 gene. It is expected to result in an absent or disrupted protein product. Loss-of-function variants in CEP250 are known to be pathogenic (PMID: 24780881, 29718797). This variant is not present in population databases (gnomAD no frequency). This variant has not been reported in the literature in individuals affected with CEP250-related conditions. ClinVar contains an entry for this variant (Variation ID: 835882). For these reasons, this variant has been classified as Pathogenic.

Literature cited by the submitters: PubMed 24780881 (cited by Labcorp Genetics (formerly Invitae), Labcorp); PubMed 29718797 (cited by Labcorp Genetics (formerly Invitae), Labcorp).

NM_007186.6(CEP250):c.5383dup (p.Glu1795fs)

Gene: CEP250 (centrosomal protein 250; plus strand). Cytogenetic location: 20q11.22.
Variant type: Duplication.
Coding change: c.5383dup on transcript NM_007186.6 (MANE Select); coding-DNA position 5383, one base duplicated (G; older notation c.5383dupG).
Protein change: p.Glu1795fs; shifts the reading frame from glutamic acid 1795.
Molecular consequence: frameshift variant.
Genome position (GRCh38, 1-based): chr20:35,503,752, G duplicated; the last of 4 consecutive G bases (chr20:35,503,749-35,503,752); duplicating any one gives the same sequence. VCF-style (leftmost placement, unchanged base first): chr20-35503748-A-AG. GRCh37 (hg19) VCF-style: chr20-34091576-A-AG.
Other names: c.3487dup, p.Glu1163fs (NM_001318219.1); short protein forms E1795fs, E1163fs.
Identifiers: ClinVar variation 835882 (VCV000835882.8), dbSNP rs2064092893, ClinGen allele CA916083755.
Genomic context (GRCh38, chr20:35,503,748, plus strand): 5'-GTCCCAGCGAGAGCAGGAAATAGTGGTCCTGCAGCAGCAACTGCAGGAAGCCAGGGAACA[A>AG]GGGGAGCTGAAGGAGCAGTCACTTCAGAGTCAACTGGATGAGGCCCAGAGAGCCCTAGCC-3'